The following is an entry in ClinVar:

NM_000540.3(RYR1):c.5719G>C (p.Glu1907Gln)

Gene: RYR1 (ryanodine receptor 1; plus strand). Cytogenetic location: 19q13.2.
Variant type: single nucleotide variant.
Coding change: c.5719G>C on transcript NM_000540.3 (MANE Select); coding-DNA position 5719, G replaced by C.
Protein change: p.Glu1907Gln; replaces glutamic acid 1907 with glutamine.
Molecular consequence: missense variant.
Genome position (GRCh38, 1-based): chr19:38,489,348, G>C. VCF-style: chr19-38489348-G-C. GRCh37 (hg19) VCF-style: chr19-38979988-G-C.
Other names: c.5719G>C, p.Glu1907Gln (NM_001042723.2); short protein forms E1907Q.
Identifiers: ClinVar variation 4756794 (VCV004756794.1).
Genomic context (GRCh38, chr19:38,489,348, plus strand): 5'-GAAGATGAGGAGGAGAAGGAGGAGGATGAGGAGGAAACAGCACAGGAAAAGGAAGATGAG[G>C]AAAAAGAGGAAGAGGAGGCAGCAGAAGGGGAGAAAGAAGAAGGCTTGGAGGAAGGGCTGC-3'
Protein context (NP_000531.2, residues 1897-1917): EETAQEKEDE[Glu1907Gln]KEEEEAAEGE

ClinVar aggregate classification (germline): Uncertain significance (1 of 4 stars; one submission).

Conditions:
Malignant hyperthermia, susceptibility to, 1 (MHS1). Also called: RYR1-Related Malignant Hyperthermia Susceptibility; Malignant hyperthermia suceptibility 1; Anesthesia related hyperthermia; Malignant hyperpyrexia; Fulminating hyperpyrexia; Pharmacogenic myopathy. Identifiers: Orphanet 423, MedGen C2930980, MONDO:0007783, OMIM 145600.

gnomAD v4.1: 1 of 1,611,536 alleles (0.000062%); no homozygotes.

Submission:

Color Diagnostics, LLC DBA Color Health
Classification: Uncertain significance for Malignant hyperthermia, susceptibility to, 1. Last evaluated: 2025-06-03. Review status: criteria provided, single submitter. Criteria: ACMG Guidelines, 2015. Collection method: clinical testing. Allele origin: germline.
Comment: This missense variant replaces glutamic acid with glutamine at codon 1907 of the RYR1 protein. Computational prediction suggests that this variant may not impact protein structure and function. To our knowledge, functional studies have not been reported for this variant. This variant has not been reported in individuals affected with RYR1-related disorders in the literature. This variant has not been identified in the general population by the Genome Aggregation Database (gnomAD). The available evidence is insufficient to determine the role of this variant in disease conclusively. Therefore, this variant is classified as a Variant of Uncertain Significance.